The following is an entry in ClinVar:

ClinVar aggregate classification (germline): Uncertain significance (1 of 4 stars; one submission).

Conditions:
Hereditary cancer-predisposing syndrome. Also called: Neoplastic Syndromes, Hereditary; Tumor predisposition; Hereditary Cancer Syndrome; Hereditary neoplastic syndrome. Identifiers: Orphanet 140162, MedGen C0027672, MeSH D009386, MONDO:0015356.

Submission:

Color Diagnostics, LLC DBA Color Health
Classification: Uncertain significance for Hereditary cancer-predisposing syndrome. Last evaluated: 2023-12-05. Review status: criteria provided, single submitter. Criteria: ACMG Guidelines, 2015. Collection method: clinical testing. Allele origin: germline.
Comment: This missense variant replaces glutamine with arginine at codon 2372 of the APC protein. Computational prediction is inconclusive regarding the impact of this variant on protein structure and function (internally defined REVEL score threshold 0.5 < inconclusive < 0.7, PMID: 27666373). To our knowledge, functional studies have not been reported for this variant. This variant has not been reported in individuals affected with APC-related disorders in the literature. This variant has not been identified in the general population by the Genome Aggregation Database (gnomAD). The available evidence is insufficient to determine the role of this variant in disease conclusively. Therefore, this variant is classified as a Variant of Uncertain Significance.

NM_000038.6(APC):c.7115A>G (p.Gln2372Arg)

Gene: APC (APC regulator of Wnt signaling pathway; plus strand). Cytogenetic location: 5q22.2.
Variant type: single nucleotide variant.
Coding change: c.7115A>G on transcript NM_000038.6 (MANE Select); coding-DNA position 7115, A replaced by G.
Protein change: p.Gln2372Arg; replaces glutamine 2372 with arginine.
Molecular consequence: missense variant.
Genome position (GRCh38, 1-based): chr5:112,842,709, A>G. VCF-style: chr5-112842709-A-G. GRCh37 (hg19) VCF-style: chr5-112178406-A-G.
Other names: c.7115A>G, p.Gln2372Arg (NM_001127510.3, NM_001354895.2); c.7061A>G, p.Gln2354Arg (NM_001127511.3); c.7169A>G, p.Gln2390Arg (NM_001354896.2); c.7145A>G, p.Gln2382Arg (NM_001354897.2); c.7040A>G, p.Gln2347Arg (NM_001354898.2); c.7031A>G, p.Gln2344Arg (NM_001354899.2); c.6992A>G, p.Gln2331Arg (NM_001354900.2); c.6938A>G, p.Gln2313Arg (NM_001354901.2); and 5 more; short protein forms Q2246R, Q2281R, Q2382R, Q2089R, Q2344R, Q2347R, Q2354R, Q2372R.
Identifiers: ClinVar variation 920870 (VCV000920870.4), dbSNP rs1766379592, ClinGen allele CA16036825.